The following is an entry in ClinVar:

NM_016648.4(LARP7):c.691_694del (p.Glu231fs)

Genes: LARP7 (La ribonucleoprotein 7, transcriptional regulator; plus strand), MIR302CHG (miR-302/367 cluster host gene; minus strand). Cytogenetic location: 4q25.
Variant type: Deletion.
Coding change: c.691_694del on transcript NM_016648.4 (MANE Select); coding-DNA positions 691 to 694, 4 bases deleted (GAAG; older notation c.691_694delGAAG).
Protein change: p.Glu231fs; shifts the reading frame from glutamic acid 231.
Molecular consequence: frameshift variant.
Genome position (GRCh38, 1-based): chr4:112,647,243-112,647,246, GAAG deleted; deleting any 4 consecutive bases within chr4:112,647,240-112,647,246 gives the same sequence; the c. name uses the placement nearest the transcript's 3' end. VCF-style (leftmost placement, unchanged base first): chr4-112647239-AAAGG-A. GRCh37 (hg19) VCF-style: chr4-113568395-AAAGG-A.
Other names: c.691_694del, p.Glu231fs (NM_001267039.4, NM_001370974.1, NM_001370975.1 and 2 more transcripts); c.688_691del, p.Glu230fs (NM_001370976.1, NM_001370977.1, NM_001370979.1 and 1 more transcripts); c.454_457del, p.Glu152fs (NM_001370981.1, NM_001370982.1); short protein forms E152fs, E230fs, E231fs.
Identifiers: ClinVar variation 1342838 (VCV001342838.4), dbSNP rs773589596, ClinGen allele CA3049237.

ClinVar aggregate classification (germline): Likely pathogenic (1 of 4 stars; one submission).

Conditions:
Microcephalic primordial dwarfism, Alazami type. Also called: Alazami syndrome; FACIAL DYSMORPHISM, INTELLECTUAL DISABILITY, AND PRIMORDIAL DWARFISM. Identifiers: Orphanet 319671, MedGen C3554439, MONDO:0014031, OMIM 615071.

Submission:

Center for Human Genetics and Genomic Medicine, Uniklinik Rwth Aachen
Classification: Likely pathogenic for Microcephalic primordial dwarfism, Alazami type. Last evaluated: 2022-03-02. Review status: criteria provided, single submitter. Criteria: ACMG Guidelines, 2015. Collection method: clinical testing. Allele origin: unknown. Inheritance: Autosomal recessive inheritance. Affected: yes. Observed: 1 homozygote.
Comment: The detected change is reported in the dbSNP database (dbSNP150, as of 03/02/2022) with the designation rs773589596. In gnomAD it is listed with a frequency of 0.0008669% (2/230700) (as of March 2nd, 2022). The change leads to a frameshift and to premature termination and thus in all probability to a loss of function of the protein. In the case of stop or nonsense variants in a gene that matches the phenotype, there is a high probability of pathogenetic relevance. The variant is currently to be regarded as a "likely pathogenic variant" (ACMG criteria).